The following is an entry in ClinVar:

NM_001253852.3(AP4B1):c.1544del (p.Gly515fs)

Genes: AP4B1 (adaptor related protein complex 4 subunit beta 1; minus strand), AP4B1-AS1 (AP4B1 antisense RNA 1; plus strand). Cytogenetic location: 1p13.2.
Variant type: Deletion.
Coding change: c.1544del on transcript NM_001253852.3 (MANE Select); coding-DNA position 1544, one base deleted (G; older notation c.1544delG).
Protein change: p.Gly515fs; shifts the reading frame from glycine 515.
Molecular consequence: frameshift variant.
Genome position (GRCh38, 1-based): chr1:113,896,005, C deleted on the plus strand (G on the coding strand, the reverse complement: AP4B1 is on the minus strand); the first of 2 consecutive C bases (chr1:113,896,005-113,896,006); deleting either gives the same sequence. VCF-style (leftmost placement, unchanged base first): chr1-113896004-AC-A. GRCh37 (hg19) VCF-style: chr1-114438626-AC-A.
Other names: c.1247del, p.Gly416fs (NM_001253853.3); c.1040del, p.Gly347fs (NM_001308312.2); c.1544del, p.Gly515fs (NM_006594.5); short protein forms G347fs, G416fs, G515fs.
Identifiers: ClinVar variation 975909 (VCV000975909.2), dbSNP rs1667419336, ClinGen allele CA1139656273.
Genomic context (GRCh38, chr1:113,896,004, plus strand): 5'-GCTACACAGAATCCGCTTAACTTCATCAATGCCAACTAAGAGGAGGCGATAATAGAAGAG[AC>A]CTCGGTCCCGTACAGCCATATCTTTTTCTTCCTCTGAGGTAAGACAACAGATTGACTTCA-3'

ClinVar aggregate classification (germline): Likely pathogenic. Review status: criteria provided, single submitter (1 of 4 stars). 2 submissions from 2 submitters: Likely pathogenic (1). 1 of the submissions does not count toward it. Last evaluated 2018-02-13.

Conditions:
Spastic paraplegia. Identifiers: MedGen C0037772, HP:0001258.
Hereditary spastic paraplegia 47. Also called: CEREBRAL PALSY, SPASTIC QUADRIPLEGIC, 5; Spastic paraplegia 47, autosomal recessive; adaptor protein 4 (AP-4) deficiency syndrome. Identifiers: Orphanet 280763, MedGen C3279738, MONDO:0013551, OMIM 614066.

Submissions (2):

Institute of Human Genetics, University of Leipzig Medical Center
Classification: Likely pathogenic for Hereditary spastic paraplegia 47. Last evaluated: 2018-02-13. Review status: criteria provided, single submitter. Criteria: ACMG Guidelines, 2015. Collection method: clinical testing. Allele origin: germline. Affected: yes. Observed: 1 variant allele.
Comment: This variant was identified as homozygous

Yale Center for Mendelian Genomics, Yale University
Classification: Likely pathogenic for Spastic paraplegia. Last evaluated: 2020-10-01. Review status: no assertion criteria provided. Collection method: literature only. Allele origin: germline. Affected: yes. Observed: 1 homozygote. Study: Yale Center for Mendelian Genomics. Not counted in ClinVar's aggregate classification.

Literature cited by the submitters: PubMed 32979048 (cited by Yale Center for Mendelian Genomics, Yale University).